The following is an entry in ClinVar:

ClinVar aggregate classification (germline): Uncertain significance. Review status: criteria provided, multiple submitters, no conflicts (2 of 4 stars). 2 submissions from 2 submitters: Uncertain significance (2). Last evaluated 2026-09-01.

Conditions:
Frontotemporal dementia and/or amyotrophic lateral sclerosis 1 (FTDALS1). Also called: Frontotemporal dementia with motor neuron disease 1; C9orf72 Frontotemporal Dementia and/or Amyotrophic Lateral Sclerosis. Identifiers: Orphanet 275872, MedGen C5779877, MONDO:0007105, OMIM 105550.
Paget disease of bone 2, early-onset (PDB2). Also called: Paget disease of bone 2. Identifiers: MedGen C4085251, MONDO:0011183, OMIM 602080.

Allele frequency attached by ClinVar (database versions not stated): gnomAD exomes 0.00008 and 0.00010; gnomAD 0.00009 and 0.00010; TOPMed 0.00010; ExAC 0.00019.

Submissions (2):

CeGaT Center for Human Genetics Tuebingen
Classification: Uncertain significance. Last evaluated: 2026-09-01. Review status: criteria provided, single submitter. Criteria: CeGaT Center For Human Genetics Tuebingen Variant Classification Criteria Version 2. Collection method: clinical testing. Allele origin: germline. Affected: yes. Observed: 1 variant allele.
Comment: SQSTM1: PM2

Labcorp Genetics (formerly Invitae), Labcorp
Classification: Uncertain significance for Paget disease of bone 2, early-onset; Frontotemporal dementia and/or amyotrophic lateral sclerosis 1. Last evaluated: 2026-01-19. Review status: criteria provided, single submitter. Criteria: Invitae Variant Classification Sherloc (09022015). Collection method: clinical testing. Allele origin: germline.
Comment: This sequence change replaces proline, which is neutral and non-polar, with serine, which is neutral and polar, at codon 29 of the SQSTM1 protein (p.Pro29Ser). This variant is present in population databases (rs752506754, gnomAD 0.04%). This missense change has been observed in individual(s) with early-onset Alzheimer’s disease (PMID: 25796131). ClinVar contains an entry for this variant (Variation ID: 963309). An algorithm developed to predict the effect of missense changes on protein structure and function (PolyPhen-2) suggests that this variant is likely to be tolerated. In summary, the available evidence is currently insufficient to determine the role of this variant in disease. Therefore, it has been classified as a Variant of Uncertain Significance.

Literature cited by the submitters: PubMed 25796131 (cited by Labcorp Genetics (formerly Invitae), Labcorp).

NM_003900.5(SQSTM1):c.85C>T (p.Pro29Ser)

Gene: SQSTM1 (sequestosome 1; plus strand). Cytogenetic location: 5q35.3.
Variant type: single nucleotide variant.
Coding change: c.85C>T on transcript NM_003900.5 (MANE Select); coding-DNA position 85, C replaced by T.
Protein change: p.Pro29Ser; replaces proline 29 with serine.
Molecular consequence: missense variant. On other transcripts: intron variant (2).
Genome position (GRCh38, 1-based): chr5:179,821,021, C>T. VCF-style: chr5-179821021-C-T. GRCh37 (hg19) VCF-style: chr5-179248021-C-T.
Other names: c.-47-1937C>T (NM_001142298.2, NM_001142299.2); short protein forms P29S.
Identifiers: ClinVar variation 963309 (VCV000963309.8), dbSNP rs752506754, ClinGen allele CA3600370.